The following is an entry in ClinVar:

ClinVar aggregate classification (germline): Uncertain significance (1 of 4 stars; one submission).

Allele frequency attached by ClinVar (database versions not stated): gnomAD 0.00001; gnomAD exomes below 0.00001; TOPMed below 0.00001.
gnomAD v4.1: 4 of 1,586,034 alleles (0.00025%); highest among the groups gnomAD compares: Non-Finnish European, 0.00034%; no homozygotes.

Submission:

Labcorp Genetics (formerly Invitae), Labcorp
Classification: Uncertain significance. Last evaluated: 2025-07-31. Review status: criteria provided, single submitter. Criteria: Invitae Variant Classification Sherloc (09022015). Collection method: clinical testing. Allele origin: germline.
Comment: This sequence change replaces isoleucine, which is neutral and non-polar, with valine, which is neutral and non-polar, at codon 1096 of the KIAA1549 protein (p.Ile1096Val). This variant is present in population databases (no rsID available, gnomAD 0.007%). This variant has not been reported in the literature in individuals affected with KIAA1549-related conditions. ClinVar contains an entry for this variant (Variation ID: 1361679). An algorithm developed to predict the effect of missense changes on protein structure and function outputs the following: PolyPhen-2: "Benign". The valine amino acid residue is found in multiple mammalian species, which suggests that this missense change does not adversely affect protein function. In summary, the available evidence is currently insufficient to determine the role of this variant in disease. Therefore, it has been classified as a Variant of Uncertain Significance.

NM_001164665.2(KIAA1549):c.3286A>G (p.Ile1096Val)

Gene: KIAA1549 (KIAA1549; minus strand). Cytogenetic location: 7q34.
Variant type: single nucleotide variant.
Coding change: c.3286A>G on transcript NM_001164665.2 (MANE Select); coding-DNA position 3286, A replaced by G.
Protein change: p.Ile1096Val; replaces isoleucine 1096 with valine.
Molecular consequence: missense variant.
Genome position (GRCh38, 1-based): chr7:138,907,093, T>C on the plus strand (A>G on the coding strand, the complement: KIAA1549 is on the minus strand). VCF-style: chr7-138907093-T-C. GRCh37 (hg19) VCF-style: chr7-138591839-T-C.
Other names: c.3286A>G, p.Ile1096Val (NM_020910.3); short protein forms I1096V.
Identifiers: ClinVar variation 1361679 (VCV001361679.6), dbSNP rs954626846, ClinGen allele CA167159049.